The following is an entry in ClinVar:

ClinVar aggregate classification (germline): Uncertain significance. Review status: criteria provided, multiple submitters, no conflicts (2 of 4 stars). 2 submissions from 2 submitters: Uncertain significance (2). Last evaluated 2025-11-01.

gnomAD v4.1: 1 of 1,585,524 alleles (0.000063%); highest among the groups gnomAD compares: Non-Finnish European, 0.000086%; no homozygotes.

Submissions (2):

CeGaT Center for Human Genetics Tuebingen
Classification: Uncertain significance. Last evaluated: 2025-11-01. Review status: criteria provided, single submitter. Criteria: CeGaT Center For Human Genetics Tuebingen Variant Classification Criteria Version 2. Collection method: clinical testing. Allele origin: germline. Affected: yes. Observed: 1 variant allele.
Comment: RERE: PM2

GeneDx
Classification: Uncertain significance. Last evaluated: 2024-06-13. Review status: criteria provided, single submitter. Criteria: GeneDx Variant Classification Process June 2021. Collection method: clinical testing. Allele origin: germline. Affected: yes.
Comment: Not observed at significant frequency in large population cohorts (gnomAD); In silico analysis supports that this missense variant has a deleterious effect on protein structure/function; Has not been previously published as pathogenic or benign to our knowledge

NM_001042681.2(RERE):c.3868C>T (p.Pro1290Ser)

Gene: RERE (arginine-glutamic acid dipeptide repeats; minus strand). Cytogenetic location: 1p36.23.
Variant type: single nucleotide variant.
Coding change: c.3868C>T on transcript NM_001042681.2 (MANE Select); coding-DNA position 3868, C replaced by T.
Protein change: p.Pro1290Ser; replaces proline 1290 with serine.
Molecular consequence: missense variant.
Genome position (GRCh38, 1-based): chr1:8,358,667, G>A on the plus strand (C>T on the coding strand, the complement: RERE is on the minus strand). VCF-style: chr1-8358667-G-A. GRCh37 (hg19) VCF-style: chr1-8418727-G-A.
Other names: c.2206C>T, p.Pro736Ser (NM_001042682.2); c.3868C>T, p.Pro1290Ser (NM_012102.4); short protein forms P1290S, P736S.
Identifiers: ClinVar variation 3390423 (VCV003390423.7).